The following is an entry in ClinVar:

NM_170606.3(KMT2C):c.3830C>A (p.Pro1277Gln)

Gene: KMT2C (lysine methyltransferase 2C; minus strand). Cytogenetic location: 7q36.1.
Variant type: single nucleotide variant.
Coding change: c.3830C>A on transcript NM_170606.3 (MANE Select); coding-DNA position 3830, C replaced by A.
Protein change: p.Pro1277Gln; replaces proline 1277 with glutamine.
Molecular consequence: missense variant.
Genome position (GRCh38, 1-based): chr7:152,207,311, G>T on the plus strand (C>A on the coding strand, the complement: KMT2C is on the minus strand). VCF-style: chr7-152207311-G-T. GRCh37 (hg19) VCF-style: chr7-151904396-G-T.
Other names: short protein forms P1277Q.
Identifiers: ClinVar variation 4529697 (VCV004529697.1).
Genomic context (GRCh38, chr7:152,207,311, plus strand): 5'-AATTAACCAAGTGTTGATGATATTGAAATGTCTACCTCAGGCACTATACCTGGTCTGTAT[G>T]GTTTCCTTTTTCTCTTTTTGACACCATCTGTTCCTTCCACTCCCTTAGTTTCATCATCCA-3'
Protein context (NP_733751.2, residues 1267-1287): TDGVKKRKRK[Pro1277Gln]YRPGIGGFMV

ClinVar aggregate classification (germline): Likely pathogenic (1 of 4 stars; one submission).

Submission:

GeneDx
Classification: Likely pathogenic. Last evaluated: 2022-05-13. Review status: criteria provided, single submitter. Criteria: GeneDx Variant Classification Process June 2021. Collection method: clinical testing. Allele origin: germline. Affected: yes.
Comment: Not observed at significant frequency in large population cohorts (gnomAD); In silico analysis supports that this missense variant has a deleterious effect on protein structure/function; Has not been previously published as pathogenic or benign to our knowledge